The following is an entry in ClinVar:

NM_001004334.4(GPR179):c.659A>G (p.Tyr220Cys)

Gene: GPR179 (G protein-coupled receptor 179; minus strand). Cytogenetic location: 17q12.
Variant type: single nucleotide variant.
Coding change: c.659A>G on transcript NM_001004334.4 (MANE Select); coding-DNA position 659, A replaced by G.
Protein change: p.Tyr220Cys; replaces tyrosine 220 with cysteine.
Molecular consequence: missense variant.
Genome position (GRCh38, 1-based): chr17:38,343,131, T>C on the plus strand (A>G on the coding strand, the complement: GPR179 is on the minus strand). VCF-style: chr17-38343131-T-C. GRCh37 (hg19) VCF-style: chr17-36499014-T-C.
Other names: short protein forms Y220C.
Identifiers: ClinVar variation 31206 (VCV000031206.6), dbSNP rs281875236, ClinGen allele CA129757.

ClinVar aggregate classification (germline): Conflicting classifications of pathogenicity. Review status: criteria provided, conflicting classifications (1 of 4 stars). 5 submissions from 5 submitters: Pathogenic (1); Likely pathogenic (1); Uncertain significance (1). 2 of the submissions do not count toward it. Last evaluated 2024-02-05.

Conditions:
GPR179-related disorders.
Congenital stationary night blindness 1E. Also called: Night blindness, congenital stationary (complete), 1E, autosomal recessive. Identifiers: Orphanet 215, MedGen C3281215, MONDO:0013807, OMIM 614565.

Allele frequency attached by ClinVar (database versions not stated): TOPMed 0.00002; ExAC 0.00003; gnomAD 0.00003 and 0.00004; gnomAD exomes 0.00006.

Submissions (5):

Blueprint Genetics
Classification: Pathogenic for GPR179-related disorders. Last evaluated: 2024-02-05. Review status: criteria provided, single submitter. Criteria: ACMG Guidelines, 2015. Collection method: clinical testing. Allele origin: germline. Affected: yes. Observed: 5 variant alleles.

Institute of Human Genetics, University of Leipzig Medical Center
Classification: Likely pathogenic for Congenital stationary night blindness 1E. Last evaluated: 2023-07-26. Review status: criteria provided, single submitter. Criteria: ACMG Guidelines, 2015. Collection method: clinical testing. Allele origin: maternal. Inheritance: Autosomal recessive inheritance. Affected: yes.
Comment: Criteria applied: PS4_MOD,PM3,PS3_SUP,PM2_SUP

Labcorp Genetics (formerly Invitae), Labcorp
Classification: Uncertain significance. Last evaluated: 2022-07-19. Review status: criteria provided, single submitter. Criteria: Invitae Variant Classification Sherloc (09022015). Collection method: clinical testing. Allele origin: germline.
Comment: This sequence change replaces tyrosine, which is neutral and polar, with cysteine, which is neutral and slightly polar, at codon 220 of the GPR179 protein (p.Tyr220Cys). This variant is present in population databases (rs281875236, gnomAD 0.01%). This missense change has been observed in individuals with congenital stationary night blindness (PMID: 22325362, 23714322). ClinVar contains an entry for this variant (Variation ID: 31206). Algorithms developed to predict the effect of missense changes on protein structure and function are either unavailable or do not agree on the potential impact of this missense change (SIFT: "Deleterious"; PolyPhen-2: "Probably Damaging"; Align-GVGD: "Class C0"). Experimental studies have shown that this missense change affects GPR179 function (PMID: 24222301). In summary, the available evidence is currently insufficient to determine the role of this variant in disease. Therefore, it has been classified as a Variant of Uncertain Significance.

OMIM
Classification: Pathogenic for NIGHT BLINDNESS, CONGENITAL STATIONARY, TYPE 1E. Last evaluated: 2012-02-10. Review status: no assertion criteria provided. Collection method: literature only. Allele origin: germline. Not counted in ClinVar's aggregate classification.

UniProtKB/Swiss-Prot
No classification provided. Review status: no classification provided. Collection method: not provided. Allele origin: not provided. Not counted in ClinVar's aggregate classification.

Literature cited by the submitters: PubMed 22325362 (cited by Labcorp Genetics (formerly Invitae), Labcorp and OMIM); PubMed 23714322 (cited by Labcorp Genetics (formerly Invitae), Labcorp); PubMed 24222301 (cited by Labcorp Genetics (formerly Invitae), Labcorp).